The following is an entry in ClinVar:

NM_001042492.3(NF1):c.3446T>G (p.Met1149Arg)

Gene: NF1 (neurofibromin 1; plus strand). Cytogenetic location: 17q11.2.
Variant type: single nucleotide variant.
Coding change: c.3446T>G on transcript NM_001042492.3 (MANE Select); coding-DNA position 3446, T replaced by G.
Protein change: p.Met1149Arg; replaces methionine 1149 with arginine.
Molecular consequence: missense variant.
Genome position (GRCh38, 1-based): chr17:31,232,831, T>G. VCF-style: chr17-31232831-T-G. GRCh37 (hg19) VCF-style: chr17-29559849-T-G.
Other names: c.3446T>G, p.Met1149Arg (NM_000267.4); short protein forms M1149R.
Identifiers: ClinVar variation 429001 (VCV000429001.9), dbSNP rs1131691121, ClinGen allele CA398989303.

ClinVar aggregate classification (germline): Likely pathogenic. Review status: criteria provided, multiple submitters, no conflicts (2 of 4 stars). 2 submissions from 2 submitters: Likely pathogenic (2). Last evaluated 2026-04-03.

Conditions:
Hereditary cancer-predisposing syndrome. Also called: Hereditary Cancer Syndrome; Tumor predisposition; Hereditary neoplastic syndrome; Neoplastic Syndromes, Hereditary. Identifiers: Orphanet 140162, MedGen C0027672, MeSH D009386, MONDO:0015356.
Cardiovascular phenotype. Identifiers: MedGen CN230736.
Neurofibromatosis, type 1 (NF1). Also called: VON RECKLINGHAUSEN DISEASE; NEUROFIBROMATOSIS, TYPE I, SOMATIC; Peripheral type neurofibromatosis; Neurofibromatosis, type I. Identifiers: Orphanet 636, MedGen C0027831, MONDO:0018975, OMIM 162200. Disease mechanism: loss of function.

Submissions (2):

Ambry Genetics
Classification: Likely pathogenic for Cardiovascular phenotype; Hereditary cancer-predisposing syndrome. Last evaluated: 2026-04-03. Review status: criteria provided, single submitter. Criteria: Ambry Variant Classification Scheme 2023. Collection method: clinical testing. Allele origin: germline.
Comment: The p.M1149R variant (also known as c.3446T>G), located in coding exon 26 of the NF1 gene, results from a T to G substitution at nucleotide position 3446. The methionine at codon 1149 is replaced by arginine, an amino acid with similar properties. This variant was reported in individual(s) with features consistent with Neurofibromatosis type 1 (Ambry internal data). Based on internal structural analysis, this variant is more disruptive than known pathogenic variants (Ambry internal data; Yoshimura SH et al. J Cell Sci, 2016 Nov;129:3963-3970; Naschberger A et al. Nature, 2021 Nov;599:315-319). Additionally, other variant(s) at the same codon, p.M1149V (c.3445A>G), p.M1149T (c.3446T>C), have been identified in individual(s) with features consistent with Neurofibromatosis type 1 (Ambry internal data). This amino acid position is highly conserved in available vertebrate species. In addition, the in silico prediction for this alteration is inconclusive. This variant is considered to be rare based on population cohorts in the Genome Aggregation Database (gnomAD). Based on the majority of available evidence to date, this variant is likely to be pathogenic.

Labcorp Genetics (formerly Invitae), Labcorp
Classification: Likely pathogenic for Neurofibromatosis, type 1. Last evaluated: 2023-09-08. Review status: criteria provided, single submitter. Criteria: Invitae Variant Classification Sherloc (09022015). Collection method: clinical testing. Allele origin: germline.
Comment: This sequence change replaces methionine, which is neutral and non-polar, with arginine, which is basic and polar, at codon 1149 of the NF1 protein (p.Met1149Arg). This variant is not present in population databases (gnomAD no frequency). This missense change has been observed in individual(s) with clinical features of neurofibromatosis type 1 (Invitae). ClinVar contains an entry for this variant (Variation ID: 429001). Advanced modeling of protein sequence and biophysical properties (such as structural, functional, and spatial information, amino acid conservation, physicochemical variation, residue mobility, and thermodynamic stability) performed at Invitae indicates that this missense variant is expected to disrupt NF1 protein function. This variant disrupts the Met1149 amino acid residue in NF1. Other variant(s) that disrupt this residue have been determined to be pathogenic (PMID: 23656349, 24711935, 28706617, 31595648; Invitae). This suggests that this residue is clinically significant, and that variants that disrupt this residue are likely to be disease-causing. In summary, the currently available evidence indicates that the variant is pathogenic, but additional data are needed to prove that conclusively. Therefore, this variant has been classified as Likely Pathogenic.

Literature cited by the submitters: PubMed 27802131 (cited by Ambry Genetics); PubMed 34707296 (cited by Ambry Genetics); PubMed 23656349 (cited by Labcorp Genetics (formerly Invitae), Labcorp); PubMed 24711935 (cited by Labcorp Genetics (formerly Invitae), Labcorp); PubMed 28706617 (cited by Labcorp Genetics (formerly Invitae), Labcorp); PubMed 31595648 (cited by Labcorp Genetics (formerly Invitae), Labcorp).